The following is an entry in ClinVar:

NM_005560.6(LAMA5):c.7386T>C (p.Asp2462=)

Gene: LAMA5 (laminin subunit alpha 5; minus strand). Cytogenetic location: 20q13.33.
Variant type: single nucleotide variant.
Coding change: c.7386T>C on transcript NM_005560.6 (MANE Select); coding-DNA position 7386, T replaced by C.
Protein change: p.Asp2462=; no amino-acid change (aspartic acid 2462 retained).
Molecular consequence: synonymous variant.
Genome position (GRCh38, 1-based): chr20:62,317,470, A>G on the plus strand (T>C on the coding strand, the complement: LAMA5 is on the minus strand). VCF-style: chr20-62317470-A-G. GRCh37 (hg19) VCF-style: chr20-60892526-A-G.
Other names: p.Asp2462=.
Identifiers: ClinVar variation 1670048 (VCV001670048.11), dbSNP rs2427281, ClinGen allele CA9941248.
Genomic context (GRCh38, chr20:62,317,470, plus strand): 5'-CAGCTTGCTGCCCGCCGGGGAGAAGGTCTGCATCCTCTGCAGCAGTGGGGTCCGAGCCCC[A>G]TCCAGGCTGGCGGCGAGGCGCTCCAGCTCCTGGAATTTGAGTGGACTTAGCCCCTCATCC-3'
Protein context (NP_005551.3, residues 2452-2472): EELERLAASL[Asp2462=]GARTPLLQRM

ClinVar aggregate classification (germline): Benign/Likely benign. Review status: criteria provided, multiple submitters, no conflicts (2 of 4 stars). 4 submissions from 4 submitters: Benign (3); Likely benign (1). Last evaluated 2026-02-04.

Allele frequency attached by ClinVar (database versions not stated): 1000 Genomes Project 30x 0.99906; 1000 Genomes Project 0.99920; ESP Exome Variant Server 0.99946; gnomAD 0.99957 and 0.99961; TOPMed 0.99963; ExAC 0.99977; gnomAD exomes 0.99978 and 0.99990.
gnomAD v4.1: 1,564,205 of 1,564,422 alleles (100%); highest among the groups gnomAD compares: East Asian, 100%; 781,994 homozygotes.

Submissions (4):

Labcorp Genetics (formerly Invitae), Labcorp
Classification: Benign. Last evaluated: 2026-02-04. Review status: criteria provided, single submitter. Criteria: Invitae Variant Classification Sherloc (09022015). Collection method: clinical testing. Allele origin: germline.

Mayo Clinic Laboratories, Mayo Clinic
Classification: Likely benign. Last evaluated: 2025-07-11. Review status: criteria provided, single submitter. Criteria: ACMG Guidelines, 2015. Collection method: clinical testing. Allele origin: germline. Observed: 149 variant alleles.
Comment: BP4, BP7

Blueprint Genetics
Classification: Benign. Last evaluated: 2024-11-28. Review status: criteria provided, single submitter. Criteria: ACMG Guidelines, 2015. Collection method: clinical testing. Allele origin: germline.

Breakthrough Genomics
Classification: Benign. Review status: criteria provided, single submitter. Criteria: ACMG Guidelines, 2015. Collection method: not provided. Allele origin: germline. Inheritance: Autosomal recessive inheritance. Affected: yes.